The following is an entry in ClinVar:

ClinVar aggregate classification (germline): Uncertain significance (1 of 4 stars; one submission).

Allele frequency attached by ClinVar (database versions not stated): gnomAD exomes below 0.00001 and 0.00002; gnomAD 0.00002 and 0.00003; TOPMed 0.00002; ExAC 0.00003; 1000 Genomes Project 0.00020; 1000 Genomes Project 30x 0.00031.
gnomAD v4.1: 6 of 1,533,806 alleles (0.00039%); highest among the groups gnomAD compares: African/African-American, 0.0086%; no homozygotes.

Submission:

Labcorp Genetics (formerly Invitae), Labcorp
Classification: Uncertain significance. Last evaluated: 2022-06-27. Review status: criteria provided, single submitter. Criteria: Invitae Variant Classification Sherloc (09022015). Collection method: clinical testing. Allele origin: germline.
Comment: In summary, the available evidence is currently insufficient to determine the role of this variant in disease. Therefore, it has been classified as a Variant of Uncertain Significance. Algorithms developed to predict the effect of missense changes on protein structure and function (SIFT, PolyPhen-2, Align-GVGD) all suggest that this variant is likely to be disruptive. This variant has not been reported in the literature in individuals affected with COL13A1-related conditions. This variant is present in population databases (rs550394459, gnomAD 0.02%). This sequence change replaces proline, which is neutral and non-polar, with serine, which is neutral and polar, at codon 703 of the COL13A1 protein (p.Pro703Ser).

NM_001368882.1(COL13A1):c.2140C>T (p.Pro714Ser)

Gene: COL13A1 (collagen type XIII alpha 1 chain; plus strand). Cytogenetic location: 10q22.1.
Variant type: single nucleotide variant.
Coding change: c.2140C>T on transcript NM_001368882.1 (MANE Select); coding-DNA position 2140, C replaced by T.
Protein change: p.Pro714Ser; replaces proline 714 with serine.
Molecular consequence: missense variant. On other transcripts: intron variant (7).
Genome position (GRCh38, 1-based): chr10:69,952,963, C>T. VCF-style: chr10-69952963-C-T. GRCh37 (hg19) VCF-style: chr10-71712719-C-T.
Other names: c.2041C>T, p.Pro681Ser (NM_080801.4); c.1960C>T, p.Pro654Ser (NM_080802.4); c.1315-985C>T (NM_001368886.1); c.1936-985C>T (NM_001368883.1); c.1837-985C>T (NM_001368885.1); c.1792-4041C>T (NM_080805.4); c.1759-985C>T (NM_001368897.1); c.1819-4041C>T (NM_001368898.1); and 7 more; short protein forms P643S, P666S, P672S, P681S, P631S, P652S, P654S, P703S.
Identifiers: ClinVar variation 1495684 (VCV001495684.6), dbSNP rs550394459, ClinGen allele CA5535115.